The following is an entry in ClinVar:

ClinVar aggregate classification (germline): Uncertain significance (1 of 4 stars; one submission).

Conditions:
Familial adenomatous polyposis 1 (FAP1). Also called: POLYPOSIS, ADENOMATOUS INTESTINAL; FAMILIAL ADENOMATOUS POLYPOSIS 1, ATTENUATED. Identifiers: MedGen C2713442, MONDO:0021056, OMIM 175100. Disease mechanism: loss of function.

Submission:

Labcorp Genetics (formerly Invitae), Labcorp
Classification: Uncertain significance for Familial adenomatous polyposis 1. Last evaluated: 2024-05-02. Review status: criteria provided, single submitter. Criteria: Invitae Variant Classification Sherloc (09022015). Collection method: clinical testing. Allele origin: germline.
Comment: This sequence change replaces leucine, which is neutral and non-polar, with phenylalanine, which is neutral and non-polar, at codon 189 of the APC protein (p.Leu189Phe). This variant is not present in population databases (gnomAD no frequency). This variant has not been reported in the literature in individuals affected with APC-related conditions. ClinVar contains an entry for this variant (Variation ID: 470018). Advanced modeling of protein sequence and biophysical properties (such as structural, functional, and spatial information, amino acid conservation, physicochemical variation, residue mobility, and thermodynamic stability) performed at Invitae indicates that this missense variant is not expected to disrupt APC protein function with a negative predictive value of 95%. In summary, the available evidence is currently insufficient to determine the role of this variant in disease. Therefore, it has been classified as a Variant of Uncertain Significance.

NM_000038.6(APC):c.567G>C (p.Leu189Phe)

Gene: APC (APC regulator of Wnt signaling pathway; plus strand). Cytogenetic location: 5q22.2.
Variant type: single nucleotide variant.
Coding change: c.567G>C on transcript NM_000038.6 (MANE Select); coding-DNA position 567, G replaced by C.
Protein change: p.Leu189Phe; replaces leucine 189 with phenylalanine.
Molecular consequence: missense variant. On other transcripts: 5 prime UTR variant (1).
Genome position (GRCh38, 1-based): chr5:112,780,825, G>C. VCF-style: chr5-112780825-G-C. GRCh37 (hg19) VCF-style: chr5-112116522-G-C.
Other names: c.567G>C, p.Leu189Phe (NM_001127510.3, NM_001354895.2, NM_001354896.2 and 2 more transcripts); c.597G>C, p.Leu199Phe (NM_001127511.3, NM_001354897.2, NM_001354902.2); c.492G>C, p.Leu164Phe (NM_001354898.2, NM_001354904.2); c.390G>C, p.Leu130Phe (NM_001354900.2, NM_001354901.2, NM_001354905.2); c.-469G>C (NM_001354906.2); short protein forms L199F, L189F, L164F, L130F.
Identifiers: ClinVar variation 470018 (VCV000470018.8), dbSNP rs1554072586, ClinGen allele CA16022574.